The following is an entry in ClinVar:

ClinVar aggregate classification (germline): Uncertain significance (1 of 4 stars; one submission).

Allele frequency attached by ClinVar (database versions not stated): TOPMed below 0.00001.

Submission:

CeGaT Center for Human Genetics Tuebingen
Classification: Uncertain significance. Last evaluated: 2022-06-01. Review status: criteria provided, single submitter. Criteria: CeGaT Center For Human Genetics Tuebingen Variant Classification Criteria Version 2. Collection method: clinical testing. Allele origin: germline. Affected: yes. Observed: 1 variant allele.
Comment: DNAJB5: PM2, PP2, BP4

NM_001349723.3(DNAJB5):c.448A>T (p.Thr150Ser)

Gene: DNAJB5 (DnaJ heat shock protein family (Hsp40) member B5; plus strand). Cytogenetic location: 9p13.3.
Variant type: single nucleotide variant.
Coding change: c.448A>T on transcript NM_001349723.3 (MANE Select); coding-DNA position 448, A replaced by T.
Protein change: p.Thr150Ser; replaces threonine 150 with serine.
Molecular consequence: missense variant.
Genome position (GRCh38, 1-based): chr9:34,996,285, A>T. VCF-style: chr9-34996285-A-T. GRCh37 (hg19) VCF-style: chr9-34996282-A-T.
Other names: c.232A>T, p.Thr78Ser (NM_001349724.2, NM_012266.6); c.334A>T, p.Thr112Ser (NM_001349725.2, NM_001135004.3); c.448A>T, p.Thr150Ser (NM_001135005.3); short protein forms T112S, T150S, T78S.
Identifiers: ClinVar variation 1695248 (VCV001695248.31), dbSNP rs1384468289, ClinGen allele CA373272821.